The following is an entry in ClinVar:

NM_000214.3(JAG1):c.3583A>G (p.Asn1195Asp)

Gene: JAG1 (jagged canonical Notch ligand 1; minus strand). Cytogenetic location: 20p12.2.
Variant type: single nucleotide variant.
Coding change: c.3583A>G on transcript NM_000214.3 (MANE Select); coding-DNA position 3583, A replaced by G.
Protein change: p.Asn1195Asp; replaces asparagine 1195 with aspartic acid.
Molecular consequence: missense variant.
Genome position (GRCh38, 1-based): chr20:10,639,572, T>C on the plus strand (A>G on the coding strand, the complement: JAG1 is on the minus strand). VCF-style: chr20-10639572-T-C. GRCh37 (hg19) VCF-style: chr20-10620220-T-C.
Other names: short protein forms N1195D.
Identifiers: ClinVar variation 42479 (VCV000042479.14), dbSNP rs397515876, ClinGen allele CA131303.
Genomic context (GRCh38, chr20:10,639,572, plus strand): 5'-CCATTCGGTTTAAGCTCTGGGCACTTTCCAAGTCTCTGTTGTCCTGTTTGTTTGTCCAGT[T>C]TGGGTGTTTTGTCGGCGTGCCGTTGGGGGGCTTCTCTTCTCTGTCTACCAGCGTGTACGC-3'
Protein context (NP_000205.1, residues 1185-1205): PPNGTPTKHP[Asn1195Asp]WTNKQDNRDL

ClinVar aggregate classification (germline): Conflicting classifications of pathogenicity. Review status: criteria provided, conflicting classifications (1 of 4 stars). 3 submissions from 3 submitters: Uncertain significance (2); Benign (1). Last evaluated 2025-01-23.

Conditions:
Cardiovascular phenotype. Identifiers: MedGen CN230736.
Alagille syndrome due to a JAG1 point mutation. Also called: JAG1-Related Alagille Syndrome; HEPATIC DUCTULAR HYPOPLASIA, SYNDROMATIC; Alagille Syndrome 1. Identifiers: Orphanet 261619, Orphanet 52, MedGen C1956125, MONDO:0016862, OMIM 118450.

Allele frequency attached by ClinVar (database versions not stated): gnomAD exomes below 0.00001; gnomAD 0.00005 and 0.00006; TOPMed 0.00005.
gnomAD v4.1: 10 of 1,614,022 alleles (0.00062%); highest among the groups gnomAD compares: African/African-American, 0.013%; no homozygotes.

Submissions (3):

Labcorp Genetics (formerly Invitae), Labcorp
Classification: Benign for Alagille syndrome due to a JAG1 point mutation. Last evaluated: 2025-01-23. Review status: criteria provided, single submitter. Criteria: Invitae Variant Classification Sherloc (09022015). Collection method: clinical testing. Allele origin: germline.

Ambry Genetics
Classification: Uncertain significance for Cardiovascular phenotype. Last evaluated: 2021-06-22. Review status: criteria provided, single submitter. Criteria: Ambry Variant Classification Scheme 2023. Collection method: clinical testing. Allele origin: germline.

Laboratory for Molecular Medicine, Mass General Brigham Personalized Medicine
Classification: Uncertain significance. Last evaluated: 2011-03-10. Review status: criteria provided, single submitter. Criteria: LMM Criteria. Collection method: clinical testing. Allele origin: germline. Observed: 1 variant allele.
Comment: The Asn1195Asp variant in JAG1 has not been reported in the literature. Asparagine (Asn) at position 1195 is conserved evolutionarily dis tant species, indicating that a change may not be tolerated. However, it should be noted that this lab has sequenced the JAG1 gene in only a small number of Bla ck individuals and no Black healthy controls. In addition, healthy control infor mation is unavailable from either public databases or scientific literature, suc h that the full spectrum of benign variation has not yet been defined for this p opulation. Future analysis could therefore reveal that the Asn1195Asp variant is common unlikely to be pathogenic. In summary, the clinical significance of this variant cannot be determined at this time due to occurrence with another, patho genic variant as well as lack of control data.